The following is an entry in ClinVar:

ClinVar aggregate classification (germline): Uncertain significance. Review status: criteria provided, multiple submitters, no conflicts (2 of 4 stars). 2 submissions from 2 submitters: Uncertain significance (2). Last evaluated 2022-07-20.

Conditions:
Inborn genetic diseases. Identifiers: MedGen C0950123, MeSH D030342.
Hereditary spastic paraplegia 30. Identifiers: Orphanet 101010, MedGen C5235139, MONDO:0012476.
Neuropathy, hereditary sensory, type 2C. Also called: Hereditary sensory and autonomic neuropathy type IIC; KIF1A-Related HSAN2 (HSAN2C). Identifiers: Orphanet 970, MedGen C3280168, MONDO:0013634, OMIM 614213.
Intellectual disability, autosomal dominant 9 (NESCAVS). Also called: NESCAV SYNDROME; KIF1A-Related Neurodevelopmental Disorder. Identifiers: Orphanet 662367, MedGen C5393830, MONDO:0013656, OMIM 614255.

Allele frequency attached by ClinVar (database versions not stated): gnomAD exomes 0.00001.
gnomAD v4.1: 8 of 1,611,566 alleles (0.0005%); highest among the groups gnomAD compares: Non-Finnish European, 0.00068%; no homozygotes.

Submissions (2):

Labcorp Genetics (formerly Invitae), Labcorp
Classification: Uncertain significance for Hereditary spastic paraplegia 30; Neuropathy, hereditary sensory, type 2C; Intellectual disability, autosomal dominant 9. Last evaluated: 2022-07-20. Review status: criteria provided, single submitter. Criteria: Invitae Variant Classification Sherloc (09022015). Collection method: clinical testing. Allele origin: germline.
Comment: This sequence change replaces serine, which is neutral and polar, with proline, which is neutral and non-polar, at codon 824 of the KIF1A protein (p.Ser824Pro). This variant is not present in population databases (gnomAD no frequency). This variant has not been reported in the literature in individuals affected with KIF1A-related conditions. Advanced modeling of protein sequence and biophysical properties (such as structural, functional, and spatial information, amino acid conservation, physicochemical variation, residue mobility, and thermodynamic stability) performed at Invitae indicates that this missense variant is not expected to disrupt KIF1A protein function. In summary, the available evidence is currently insufficient to determine the role of this variant in disease. Therefore, it has been classified as a Variant of Uncertain Significance.

Ambry Genetics
Classification: Uncertain significance for Inborn genetic diseases. Last evaluated: 2022-04-15. Review status: criteria provided, single submitter. Criteria: Ambry Variant Classification Scheme 2023. Collection method: clinical testing. Allele origin: germline.
Comment: The p.S833P variant (also known as c.2497T>C), located in coding exon 25 of the KIF1A gene, results from a T to C substitution at nucleotide position 2497. The serine at codon 833 is replaced by proline, an amino acid with similar properties. This amino acid position is well conserved in available vertebrate species. In addition, the in silico prediction for this alteration is inconclusive. The evidence for this gene-disease relationship is limited; therefore, the clinical significance of this alteration is unclear.

NM_001244008.2(KIF1A):c.2497T>C (p.Ser833Pro)

Gene: KIF1A (kinesin family member 1A; minus strand). Cytogenetic location: 2q37.3.
Variant type: single nucleotide variant.
Coding change: c.2497T>C on transcript NM_001244008.2 (MANE Select); coding-DNA position 2497, T replaced by C.
Protein change: p.Ser833Pro; replaces serine 833 with proline.
Molecular consequence: missense variant.
Genome position (GRCh38, 1-based): chr2:240,758,445, A>G on the plus strand (T>C on the coding strand, the complement: KIF1A is on the minus strand). VCF-style: chr2-240758445-A-G. GRCh37 (hg19) VCF-style: chr2-241697862-A-G.
Other names: c.2497T>C, p.Ser833Pro (NM_001320705.2, NM_001330289.2, NM_001379638.1); c.2572T>C, p.Ser858Pro (NM_001330290.2, NM_001379631.1, NM_001379634.1 and 2 more transcripts); c.2470T>C, p.Ser824Pro (NM_001379632.1, NM_001379633.1, NM_001379636.1 and 11 more transcripts); c.2545T>C, p.Ser849Pro (NM_001379637.1, NM_001379648.1); short protein forms S824P, S833P, S849P, S858P.
Identifiers: ClinVar variation 1720036 (VCV001720036.8), dbSNP rs2537537535, ClinGen allele CA351323823.